The following is an entry in ClinVar:

ClinVar aggregate classification (germline): Likely benign. Review status: criteria provided, multiple submitters, no conflicts (2 of 4 stars). 2 submissions from 2 submitters: Likely benign (2). Last evaluated 2022-07-25.

Conditions:
Norman-Roberts syndrome (LIS2). Also called: Lissencephaly 2 (Norman-Roberts type). Identifiers: Orphanet 89844, MedGen C0796089, MONDO:0009760, OMIM 257320.
Familial temporal lobe epilepsy 7. Identifiers: Orphanet 101046, MedGen C4225327, MONDO:0014639, OMIM 616436.

Allele frequency attached by ClinVar (database versions not stated): gnomAD exomes 0.00001 and 0.00002; ExAC 0.00002.
gnomAD v4.1: 16 of 1,613,918 alleles (0.00099%); highest among the groups gnomAD compares: Middle Eastern, 0.033%; no homozygotes.

Submissions (2):

Labcorp Genetics (formerly Invitae), Labcorp
Classification: Likely benign for Familial temporal lobe epilepsy 7; Norman-Roberts syndrome. Last evaluated: 2022-07-25. Review status: criteria provided, single submitter. Criteria: Invitae Variant Classification Sherloc (09022015). Collection method: clinical testing. Allele origin: germline.

GeneDx
Classification: Likely benign. Last evaluated: 2018-06-06. Review status: criteria provided, single submitter. Criteria: GeneDx Variant Classification (06012015). Collection method: clinical testing. Allele origin: germline. Affected: yes.
Comment: This variant is considered likely benign or benign based on one or more of the following criteria: it is a conservative change, it occurs at a poorly conserved position in the protein, it is predicted to be benign by multiple in silico algorithms, and/or has population frequency not consistent with disease.

NM_005045.4(RELN):c.9237T>C (p.Ala3079=)

Genes: SLC26A5-AS1 (SLC26A5 antisense RNA 1; plus strand), RELN (reelin; minus strand). Cytogenetic location: 7q22.1.
Variant type: single nucleotide variant.
Coding change: c.9237T>C on transcript NM_005045.4 (MANE Select); coding-DNA position 9237, T replaced by C.
Protein change: p.Ala3079=; no amino-acid change (alanine 3079 retained).
Molecular consequence: synonymous variant.
Genome position (GRCh38, 1-based): chr7:103,495,855, A>G on the plus strand (T>C on the coding strand, the complement: RELN is on the minus strand). VCF-style: chr7-103495855-A-G. GRCh37 (hg19) VCF-style: chr7-103136302-A-G.
Other names: c.9237T>C, p.Ala3079= (NM_173054.3).
Identifiers: ClinVar variation 669039 (VCV000669039.8), dbSNP rs749707073, ClinGen allele CA4420262.